The following is an entry in ClinVar:

NM_004183.4(BEST1):c.87C>G (p.Tyr29Ter)

Gene: BEST1 (bestrophin 1; plus strand). Cytogenetic location: 11q12.3.
Variant type: single nucleotide variant.
Coding change: c.87C>G on transcript NM_004183.4 (MANE Select); coding-DNA position 87, C replaced by G.
Protein change: p.Tyr29Ter; replaces tyrosine 29 with a stop codon.
Molecular consequence: nonsense. On other transcripts: non-coding transcript variant (1), intron variant (6).
Genome position (GRCh38, 1-based): chr11:61,951,893, C>G. VCF-style: chr11-61951893-C-G. GRCh37 (hg19) VCF-style: chr11-61719365-C-G.
Other names: c.87C>G, p.Tyr29Ter (NM_001363592.2, NM_001440571.1, NM_001440572.1 and 1 more transcripts); c.-29+1466C>G (NM_001139443.3, NM_001300787.2, NM_001440574.1 and 3 more transcripts); short protein forms Y29*.
Identifiers: ClinVar variation 2730 (VCV000002730.8), dbSNP rs121918285, ClinGen allele CA252409.
Genomic context (GRCh38, chr11:61,951,893, plus strand): 5'-GGCTAATGCCCGCTTAGGCTCCTTCTCCCGCCTGCTGCTGTGCTGGCGGGGCAGCATCTA[C>G]AAGCTGCTATATGGCGAGTTCTTAATCTTCCTGCTCTGCTACTACATCATCCGCTTTATT-3'

ClinVar aggregate classification (germline): Pathogenic. Review status: criteria provided, single submitter (1 of 4 stars). 2 submissions from 2 submitters: Pathogenic (1). 1 of the submissions does not count toward it. Last evaluated 2025-11-17.

Conditions:
Vitelliform macular dystrophy 2. Also called: Best Macular Dystrophy; Best vitelliform macular dystrophy, multifocal; VITELLIFORM MACULAR DYSTROPHY, EARLY-ONSET; VITELLIFORM MACULAR DYSTROPHY, JUVENILE-ONSET; Best Vitelliform Macular Dystrophy (BVMD); MACULAR DEGENERATION, POLYMORPHIC VITELLINE. Identifiers: Orphanet 1243, MedGen C2745945, MONDO:0007931, OMIM 153700.

Allele frequency attached by ClinVar (database versions not stated): gnomAD exomes below 0.00001; gnomAD 0.00001; TOPMed 0.00001.
gnomAD v4.1: 7 of 1,613,354 alleles (0.00043%); highest among the groups gnomAD compares: Non-Finnish European, 0.00051%; no homozygotes.

Submissions (2):

Labcorp Genetics (formerly Invitae), Labcorp
Classification: Pathogenic. Last evaluated: 2025-11-17. Review status: criteria provided, single submitter. Criteria: Invitae Variant Classification Sherloc (09022015). Collection method: clinical testing. Allele origin: germline.
Comment: This sequence change creates a premature translational stop signal (p.Tyr29*) in the BEST1 gene. It is expected to result in an absent or disrupted protein product. Loss-of-function variants in BEST1 are known to be pathogenic (PMID: 21825197). This variant is not present in population databases (gnomAD no frequency). This premature translational stop signal has been observed in individual(s) with clinical features of autosomal recessive bestrophinopathy (PMID: 16754206). It has also been observed to segregate with disease in related individuals. ClinVar contains an entry for this variant (Variation ID: 2730). For these reasons, this variant has been classified as Pathogenic.

OMIM
Classification: Pathogenic for MACULAR DYSTROPHY, VITELLIFORM, 2. Last evaluated: 2006-06-01. Review status: no assertion criteria provided. Collection method: literature only. Allele origin: germline. Not counted in ClinVar's aggregate classification.

Literature cited by the submitters: PubMed 21825197 (cited by Labcorp Genetics (formerly Invitae), Labcorp); PubMed 16754206 (cited by Labcorp Genetics (formerly Invitae), Labcorp and OMIM).